The following is an entry in ClinVar:

ClinVar aggregate classification (germline): Likely pathogenic (1 of 4 stars; one submission).

Conditions:
Nemaline myopathy 2 (NEM2). Also called: Nemaline myopathy 2, autosomal recessive. Identifiers: MedGen C1850569, MONDO:0009725, OMIM 256030.

Submission:

Labcorp Genetics (formerly Invitae), Labcorp
Classification: Likely pathogenic for Nemaline myopathy 2. Last evaluated: 2022-09-23. Review status: criteria provided, single submitter. Criteria: Invitae Variant Classification Sherloc (09022015). Collection method: clinical testing. Allele origin: germline.
Comment: In summary, the currently available evidence indicates that the variant is pathogenic, but additional data are needed to prove that conclusively. Therefore, this variant has been classified as Likely Pathogenic. This variant has not been reported in the literature in individuals affected with NEB-related conditions. This variant results in a copy number gain of the genomic region encompassing exon(s) 110-180 of the NEB gene. While the exact position of this variant cannot be determined from the data, sub-genic copy number gains are generally in tandem (PMID: 25640679). This variant is predicted to be out-of-frame, and may result in an absent or disrupted protein product. Loss-of-function variants in NEB are known to be pathogenic (PMID: 25205138).

Literature cited by the submitters: PubMed 25640679; PubMed 25205138.

NC_000002.11:g.(?_152348187)_(152425896_?)dup

Gene: NEB (nebulin; minus strand). Cytogenetic location: 2q23.3.
Variant type: Duplication.
Identifiers: ClinVar variation 2424071 (VCV002424071.3).